The following is an entry in ClinVar:

ClinVar aggregate classification (germline): Uncertain significance (1 of 4 stars; one submission).

Conditions:
Hereditary cancer-predisposing syndrome. Also called: Tumor predisposition; Neoplastic Syndromes, Hereditary; Hereditary neoplastic syndrome; Hereditary Cancer Syndrome. Identifiers: Orphanet 140162, MedGen C0027672, MeSH D009386, MONDO:0015356.

gnomAD v4.1: 1 of 1,500,212 alleles (0.000067%); no homozygotes.

Submission:

Ambry Genetics
Classification: Uncertain significance for Hereditary cancer-predisposing syndrome. Last evaluated: 2024-08-01. Review status: criteria provided, single submitter. Criteria: Ambry Variant Classification Scheme 2023. Collection method: clinical testing. Allele origin: germline.
Comment: The p.G11A variant (also known as c.32G>C), located in coding exon 1 of the TMEM127 gene, results from a G to C substitution at nucleotide position 32. The glycine at codon 11 is replaced by alanine, an amino acid with similar properties. This amino acid position is conserved. In addition, the in silico prediction for this alteration is inconclusive. Based on the available evidence, the clinical significance of this variant remains unclear.

NM_017849.4(TMEM127):c.32G>C (p.Gly11Ala)

Genes: TMEM127 (transmembrane protein 127; minus strand), LOC129934333 (ATAC-STARR-seq lymphoblastoid silent region 11759; plus strand). Cytogenetic location: 2q11.2.
Variant type: single nucleotide variant.
Coding change: c.32G>C on transcript NM_017849.4 (MANE Select); coding-DNA position 32, G replaced by C.
Protein change: p.Gly11Ala; replaces glycine 11 with alanine.
Molecular consequence: missense variant. On other transcripts: intron variant (1).
Genome position (GRCh38, 1-based): chr2:96,265,350, C>G on the plus strand (G>C on the coding strand, the complement: TMEM127 is on the minus strand). VCF-style: chr2-96265350-C-G. GRCh37 (hg19) VCF-style: chr2-96931088-C-G.
Other names: c.32G>C, p.Gly11Ala (NM_001193304.3); c.-9+519G>C (NM_001407283.1); short protein forms G11A.
Identifiers: ClinVar variation 3457600 (VCV003457600.1).